The following is an entry in ClinVar:

ClinVar aggregate classification (germline): Uncertain significance (1 of 4 stars; one submission).

Conditions:
Cardiomyopathy (CMYO). Also called: Cardiomyopathies. Identifiers: Orphanet 167848, MedGen C0878544, MONDO:0004994, HP:0001638. Inheritance: Various modes of inheritance.

Submission:

Color Diagnostics, LLC DBA Color Health
Classification: Uncertain significance for Cardiomyopathy. Last evaluated: 2024-03-06. Review status: criteria provided, single submitter. Criteria: ACMG Guidelines, 2015. Collection method: clinical testing. Allele origin: germline.
Comment: This missense variant replaces glutamine with leucine at codon 1085 of the DSP protein. Computational prediction suggests that this variant may not impact protein structure and function (internally defined REVEL score threshold <= 0.5, PMID: 27666373). To our knowledge, functional studies have not been reported for this variant. This variant has not been reported in individuals affected with cardiovascular disorders in the literature. This variant has not been identified in the general population by the Genome Aggregation Database (gnomAD). The available evidence is insufficient to determine the role of this variant in disease conclusively. Therefore, this variant is classified as a Variant of Uncertain Significance.

NM_004415.4(DSP):c.3254A>T (p.Gln1085Leu)

Gene: DSP (desmoplakin; plus strand). Cytogenetic location: 6p24.3.
Variant type: single nucleotide variant.
Coding change: c.3254A>T on transcript NM_004415.4 (MANE Select); coding-DNA position 3254, A replaced by T.
Protein change: p.Gln1085Leu; replaces glutamine 1085 with leucine.
Molecular consequence: missense variant.
Genome position (GRCh38, 1-based): chr6:7,579,444, A>T. VCF-style: chr6-7579444-A-T. GRCh37 (hg19) VCF-style: chr6-7579677-A-T.
Other names: c.3254A>T, p.Gln1085Leu (NM_001008844.3, NM_001319034.2); short protein forms Q1085L.
Identifiers: ClinVar variation 1172162 (VCV001172162.3), dbSNP rs2113691330, ClinGen allele CA362683428.